The following is an entry in ClinVar:

ClinVar aggregate classification (germline): Uncertain significance (1 of 4 stars; one submission).

gnomAD v4.1: 1 of 1,614,054 alleles (0.000062%); highest among the groups gnomAD compares: East Asian, 0.0022%; no homozygotes.

Submission:

GeneDx
Classification: Uncertain significance. Last evaluated: 2026-01-28. Review status: criteria provided, single submitter. Criteria: GeneDx Variant Classification Process June 2021. Collection method: clinical testing. Allele origin: germline.
Comment: Not observed at significant frequency in large population cohorts (gnomAD); In silico analysis supports that this missense variant has a deleterious effect on protein structure/function; Has not been previously published as pathogenic or benign to our knowledge

NM_001829.4(CLCN3):c.1625G>A (p.Gly542Glu)

Gene: CLCN3 (Cl-/H+ antiporter 3; plus strand). Cytogenetic location: 4q33.
Variant type: single nucleotide variant.
Coding change: c.1625G>A on transcript NM_001829.4 (MANE Select); coding-DNA position 1625, G replaced by A.
Protein change: p.Gly542Glu; replaces glycine 542 with glutamic acid.
Molecular consequence: missense variant.
Genome position (GRCh38, 1-based): chr4:169,704,059, G>A. VCF-style: chr4-169704059-G-A. GRCh37 (hg19) VCF-style: chr4-170625210-G-A.
Other names: c.1544G>A, p.Gly515Glu (NM_001243372.2, NM_001243374.2); c.1625G>A, p.Gly542Glu (NM_173872.4); short protein forms G515E, G542E.
Identifiers: ClinVar variation 4975829 (VCV004975829.1).